The following is an entry in ClinVar:

ClinVar aggregate classification (germline): Pathogenic (1 of 4 stars; one submission).

Conditions:
Kleefstra syndrome 1 (KLEFS1). Identifiers: Orphanet 261494, MedGen C0795833, MONDO:0027407, OMIM 610253.

Submission:

Undiagnosed Diseases Network, NIH
Classification: Pathogenic for Kleefstra syndrome 1. Last evaluated: 2020-10-13. Review status: criteria provided, single submitter. Criteria: ACMG Guidelines, 2015. Collection method: clinical testing. Allele origin: paternal. Inheritance: Autosomal dominant inheritance. Affected: yes. Observed: 2 variant alleles, 2 heterozygotes, 1 mosaic individual. Clinical features observed: Varicocele (HP:0012871), Thoracic kyphosis (HP:0002942), Synophrys (HP:0000664), Supernumerary nipple (HP:0002558), Pain insensitivity (HP:0007021), Overfolded helix (HP:0000396), Migraine (HP:0002076), Intellectual disability, mild (HP:0001256), Inguinal hernia (HP:0000023), Infantile muscular hypotonia (HP:0008947), Hypermetropia (HP:0000540), Highly arched eyebrow (HP:0002553), and 11 more. Study: Undiagnosed Diseases Network (NIH), UDN.
Comment: 16,119bp tandem duplication involving exons 5 and 6. Results in frameshift and introduction of termination codon.

NC_000009.12:g.137729445_137745564dup

Genes: EHMT1 (euchromatic histone lysine methyltransferase 1; plus strand), LOC130003142 (ATAC-STARR-seq lymphoblastoid active region 29362; plus strand), LOC130003141 (ATAC-STARR-seq lymphoblastoid active region 29361; plus strand). Cytogenetic location: 9q34.3.
Variant type: Duplication.
Identifiers: ClinVar variation 988097 (VCV000988097.3).